The following is an entry in ClinVar:

ClinVar aggregate classification (germline): Pathogenic (1 of 4 stars; one submission).

Conditions:
Muscular dystrophy-dystroglycanopathy type B6 (MDDGB6). Also called: MUSCULAR DYSTROPHY-DYSTROGLYCANOPATHY (CONGENITAL WITH IMPAIRED INTELLECTUAL DEVELOPMENT), TYPE B, 6; MUSCULAR DYSTROPHY, CONGENITAL, LARGE-RELATED; MUSCULAR DYSTROPHY, CONGENITAL, TYPE 1D. Identifiers: MedGen C1837229, MONDO:0012138, OMIM 608840.

Submission:

Labcorp Genetics (formerly Invitae), Labcorp
Classification: Pathogenic for Muscular dystrophy-dystroglycanopathy type B6. Last evaluated: 2023-11-07. Review status: criteria provided, single submitter. Criteria: Invitae Variant Classification Sherloc (09022015). Collection method: clinical testing. Allele origin: germline.
Comment: This variant is a gross deletion of the genomic region encompassing exon(s) 3-11 of the LARGE1 gene, which includes the initiator codon. This deletion extends beyond the assayed region for this gene and therefore may encompass additional genes. It is expected to result in an absent or disrupted protein product. Loss-of-function variants in LARGE1 are known to be pathogenic (PMID: 12966029, 17878207). This variant has not been reported in the literature in individuals affected with LARGE1-related conditions. For these reasons, this variant has been classified as Pathogenic.

Literature cited by the submitters: PubMed 12966029; PubMed 17878207.

NC_000022.10:g.(?_33733612)_(34157463_?)del

Gene: LARGE1 (LARGE xylosyl- and glucuronyltransferase 1; minus strand). Cytogenetic location: 22q12.3.
Variant type: Deletion.
Identifiers: ClinVar variation 1456023 (VCV001456023.6).